The following is an entry in ClinVar:

NM_014362.4(HIBCH):c.932T>G (p.Leu311Arg)

Gene: HIBCH (3-hydroxyisobutyryl-CoA hydrolase; minus strand). Cytogenetic location: 2q32.2.
Variant type: single nucleotide variant.
Coding change: c.932T>G on transcript NM_014362.4 (MANE Select); coding-DNA position 932, T replaced by G.
Protein change: p.Leu311Arg; replaces leucine 311 with arginine.
Molecular consequence: missense variant.
Genome position (GRCh38, 1-based): chr2:190,213,035, A>C on the plus strand (T>G on the coding strand, the complement: HIBCH is on the minus strand). VCF-style: chr2-190213035-A-C. GRCh37 (hg19) VCF-style: chr2-191077761-A-C.
Other names: c.932T>G, p.Leu311Arg (NM_198047.3); c.932T>G (NM_014362.3); short protein forms L311R.
Identifiers: ClinVar variation 1985245 (VCV001985245.5), dbSNP rs776217847, ClinGen allele CA2027429.
Genomic context (GRCh38, chr2:190,213,035, plus strand): 5'-CGATACTCCATAGTTAGTACTTCTTGCAAGGTCTTTGAAGACCCCTCCATGAGTTGCCTT[A>C]GTGTGATCTTTAGAGATGTTGGAGACATTTTATTAATTACCTTTTGGAGGAAAAAATTTA-3'
Protein context (NP_055177.2, residues 301-321): KMSPTSLKIT[Leu311Arg]RQLMEGSSKT

ClinVar aggregate classification (germline): Uncertain significance. Review status: criteria provided, multiple submitters, no conflicts (2 of 4 stars). 2 submissions from 2 submitters: Uncertain significance (2). Last evaluated 2024-03-25.

Conditions:
Inborn genetic diseases. Identifiers: MedGen C0950123, MeSH D030342.
3-hydroxyisobutyryl-CoA hydrolase deficiency. Also called: VALINE METABOLIC DEFECT; HIBCH DEFICIENCY; METHACRYLIC ACID TOXICITY; METHACRYLIC ACIDURIA; Reduced circulating 3-hydroxyisobutyryl-CoA hydrolase activity; Deficiency of 3-hydroxyisobutyryl CoA hydrolase. Identifiers: Orphanet 88639, MedGen C0342738, MONDO:0009603, OMIM 250620, HP:6000215.

Allele frequency attached by ClinVar (database versions not stated): ExAC 0.00002; gnomAD 0.00003; TOPMed 0.00003.
gnomAD v4.1: 8 of 1,609,754 alleles (0.0005%); highest among the groups gnomAD compares: African/African-American, 0.0067%; no homozygotes.

Submissions (2):

Ambry Genetics
Classification: Uncertain significance for Inborn genetic diseases. Last evaluated: 2024-03-25. Review status: criteria provided, single submitter. Criteria: Ambry Variant Classification Scheme 2023. Collection method: clinical testing. Allele origin: germline.

Labcorp Genetics (formerly Invitae), Labcorp
Classification: Uncertain significance for 3-hydroxyisobutyryl-CoA hydrolase deficiency. Last evaluated: 2022-12-28. Review status: criteria provided, single submitter. Criteria: Invitae Variant Classification Sherloc (09022015). Collection method: clinical testing. Allele origin: germline.
Comment: This sequence change replaces leucine, which is neutral and non-polar, with arginine, which is basic and polar, at codon 311 of the HIBCH protein (p.Leu311Arg). This variant is present in population databases (rs776217847, gnomAD 0.009%). This variant has not been reported in the literature in individuals affected with HIBCH-related conditions. Advanced modeling of protein sequence and biophysical properties (such as structural, functional, and spatial information, amino acid conservation, physicochemical variation, residue mobility, and thermodynamic stability) performed at Invitae indicates that this missense variant is not expected to disrupt HIBCH protein function. In summary, the available evidence is currently insufficient to determine the role of this variant in disease. Therefore, it has been classified as a Variant of Uncertain Significance.